The following is an entry in ClinVar:

ClinVar aggregate classification (germline): Uncertain significance (1 of 4 stars; one submission).

Conditions:
Familial cancer of breast. Also called: hereditary breast carcinoma; Hereditary breast cancer; BREAST CANCER, FAMILIAL. Identifiers: Orphanet 227535, MedGen C0346153, MONDO:0016419, OMIM 114480. Disease mechanism: loss of function.

Submission:

Labcorp Genetics (formerly Invitae), Labcorp
Classification: Uncertain significance for Familial cancer of breast. Last evaluated: 2023-12-31. Review status: criteria provided, single submitter. Criteria: Invitae Variant Classification Sherloc (09022015). Collection method: clinical testing. Allele origin: germline.
Comment: This sequence change replaces serine, which is neutral and polar, with tyrosine, which is neutral and polar, at codon 250 of the BARD1 protein (p.Ser250Tyr). This variant is not present in population databases (gnomAD no frequency). This variant has not been reported in the literature in individuals affected with BARD1-related conditions. ClinVar contains an entry for this variant (Variation ID: 1040819). An algorithm developed to predict the effect of missense changes on protein structure and function (PolyPhen-2) suggests that this variant is likely to be tolerated. In summary, the available evidence is currently insufficient to determine the role of this variant in disease. Therefore, it has been classified as a Variant of Uncertain Significance.

NM_000465.4(BARD1):c.749C>A (p.Ser250Tyr)

Gene: BARD1 (BRCA1 associated RING domain 1; minus strand). Cytogenetic location: 2q35.
Variant type: single nucleotide variant.
Coding change: c.749C>A on transcript NM_000465.4 (MANE Select); coding-DNA position 749, C replaced by A.
Protein change: p.Ser250Tyr; replaces serine 250 with tyrosine.
Molecular consequence: missense variant. On other transcripts: non-coding transcript variant (2), intron variant (3).
Genome position (GRCh38, 1-based): chr2:214,781,125, G>T on the plus strand (C>A on the coding strand, the complement: BARD1 is on the minus strand). VCF-style: chr2-214781125-G-T. GRCh37 (hg19) VCF-style: chr2-215645849-G-T.
Other names: c.692C>A, p.Ser231Tyr (NM_001282543.2); c.158+28287C>A (NM_001282548.2); c.215+15936C>A (NM_001282545.2); c.364+11172C>A (NM_001282549.2); short protein forms S231Y, S250Y.
Identifiers: ClinVar variation 1040819 (VCV001040819.9), dbSNP rs1694996136, ClinGen allele CA350456085.
Genomic context (GRCh38, chr2:214,781,125, plus strand): 5'-TCAGATTCTGTCAAGGAGCCACTTGCTAGTAAGTCTATTTCACCATTTATCTGAGGACTG[G>T]AGATAACAGATGGTTGGCTACAGAAGGATACCAGCTTTTGCTTAGATTCCTCTTTGGAGT-3'
Protein context (NP_000456.2, residues 240-260): VSFCSQPSVI[Ser250Tyr]SPQINGEIDL